The following is an entry in ClinVar:

ClinVar aggregate classification (germline): Benign. Review status: criteria provided, multiple submitters, no conflicts (2 of 4 stars). 2 submissions from 2 submitters: Benign (2). Last evaluated 2018-06-19.

Allele frequency attached by ClinVar (database versions not stated): ESP Exome Variant Server 0.20196; gnomAD exomes 0.20250; ExAC 0.21316; gnomAD 0.21624 and 0.21647; TOPMed 0.22082; 1000 Genomes Project 0.24980; 1000 Genomes Project 30x 0.25234.
gnomAD v4.1: 288,643 of 1,491,256 alleles (19%); highest among the groups gnomAD compares: African/African-American, 28%; 28,638 homozygotes.

Submissions (2):

GeneDx
Classification: Benign. Last evaluated: 2018-06-19. Review status: criteria provided, single submitter. Criteria: GeneDx Variant Classification (06012015). Collection method: clinical testing. Allele origin: germline. Affected: yes.
Comment: This variant is considered likely benign or benign based on one or more of the following criteria: it is a conservative change, it occurs at a poorly conserved position in the protein, it is predicted to be benign by multiple in silico algorithms, and/or has population frequency not consistent with disease.

Breakthrough Genomics
Classification: Benign. Review status: criteria provided, single submitter. Criteria: ACMG Guidelines, 2015. Collection method: not provided. Allele origin: germline. Inheritance: Autosomal dominant inheritance. Affected: yes.

NM_005465.7(AKT3):c.628-25C>T

Gene: AKT3 (AKT serine/threonine kinase 3; minus strand). Cytogenetic location: 1q44.
Variant type: single nucleotide variant.
Coding change: c.628-25C>T on transcript NM_005465.7 (MANE Select); 25 bases into the intron before coding-DNA position 628, C replaced by T.
Molecular consequence: intron variant.
Genome position (GRCh38, 1-based): chr1:243,613,764, G>A on the plus strand (C>T on the coding strand, the complement: AKT3 is on the minus strand). VCF-style: chr1-243613764-G-A. GRCh37 (hg19) VCF-style: chr1-243777066-G-A.
Other names: c.628-25C>T (NM_181690.2, NM_001370074.1, NM_001206729.2).
Identifiers: ClinVar variation 677969 (VCV000677969.2), dbSNP rs2168812, ClinGen allele CA1484063.